The following is an entry in ClinVar:

ClinVar aggregate classification (germline): Uncertain significance (1 of 4 stars; one submission).

Submission:

Labcorp Genetics (formerly Invitae), Labcorp
Classification: Uncertain significance. Last evaluated: 2024-04-22. Review status: criteria provided, single submitter. Criteria: Invitae Variant Classification Sherloc (09022015). Collection method: clinical testing. Allele origin: germline.
Comment: This sequence change affects codon 1409 of the COL4A3 mRNA. It is a 'silent' change, meaning that it does not change the encoded amino acid sequence of the COL4A3 protein. This variant is not present in population databases (gnomAD no frequency). This variant has not been reported in the literature in individuals affected with COL4A3-related conditions. Algorithms developed to predict the effect of sequence changes on RNA splicing suggest that this variant may disrupt the consensus splice site. In summary, the available evidence is currently insufficient to determine the role of this variant in disease. Therefore, it has been classified as a Variant of Uncertain Significance.

NM_000091.5(COL4A3):c.4227C>T (p.Gly1409=)

Genes: COL4A3 (collagen type IV alpha 3 chain; plus strand), MFF-DT (MFF divergent transcript; minus strand). Cytogenetic location: 2q36.3.
Variant type: single nucleotide variant.
Coding change: c.4227C>T on transcript NM_000091.5 (MANE Select); coding-DNA position 4227, C replaced by T.
Protein change: p.Gly1409=; no amino-acid change (glycine 1409 retained).
Molecular consequence: synonymous variant.
Genome position (GRCh38, 1-based): chr2:227,305,058, C>T. VCF-style: chr2-227305058-C-T. GRCh37 (hg19) VCF-style: chr2-228169774-C-T.
Identifiers: ClinVar variation 2814288 (VCV002814288.3), dbSNP rs2469916616, ClinGen allele CA431508145.